The following is an entry in ClinVar:

ClinVar aggregate classification (germline): Uncertain significance (1 of 4 stars; one submission).

Conditions:
Leukodystrophy, demyelinating, adult-onset, autosomal dominant, typical. Also called: LMNB1-Related Autosomal Dominant Leukodystrophy; PELIZAEUS-MERZBACHER DISEASE, AUTOSOMAL DOMINANT OR LATE-ONSET TYPE. Identifiers: MedGen CN379389, MONDO:0700295, OMIM 169500.
Microcephaly 26, primary, autosomal dominant. Identifiers: MedGen C5543048, MONDO:0030928, OMIM 619179.

gnomAD v4.1: 33 of 1,613,612 alleles (0.002%); highest among the groups gnomAD compares: Non-Finnish European, 0.0025%; no homozygotes.

Submission:

Juno Genomics, Hangzhou Juno Genomics, Inc
Classification: Uncertain significance for Leukodystrophy, demyelinating, adult-onset, autosomal dominant, typical; Microcephaly 26, primary, autosomal dominant. Review status: criteria provided, single submitter. Criteria: ACMG Guidelines, 2015. Collection method: clinical testing. Allele origin: germline.
Comment: Absent from controls (or at extremely low frequency if recessive) in Genome Aggregation Database.;Multiple lines of computational evidence support a deleterious effect on the gene or gene product.

NM_005573.4(LMNB1):c.1205G>A (p.Arg402Gln)

Gene: LMNB1 (lamin B1; plus strand). Cytogenetic location: 5q23.2.
Variant type: single nucleotide variant.
Coding change: c.1205G>A on transcript NM_005573.4 (MANE Select); coding-DNA position 1205, G replaced by A.
Protein change: p.Arg402Gln; replaces arginine 402 with glutamine.
Molecular consequence: missense variant. On other transcripts: non-coding transcript variant (2).
Genome position (GRCh38, 1-based): chr5:126,820,954, G>A. VCF-style: chr5-126820954-G-A. GRCh37 (hg19) VCF-style: chr5-126156646-G-A.
Other names: c.575G>A, p.Arg192Gln (NM_001198557.2); short protein forms R192Q, R402Q.
Identifiers: ClinVar variation 5006824 (VCV005006824.2).